The following is an entry in ClinVar:

ClinVar aggregate classification (germline): Uncertain significance (1 of 4 stars; one submission).

Conditions:
3-methylglutaconic aciduria type 1 (MGCA1). Identifiers: Orphanet 67046, MedGen C0342727, MONDO:0009610, OMIM 250950.

Submission:

Labcorp Genetics (formerly Invitae), Labcorp
Classification: Uncertain significance for 3-methylglutaconic aciduria type 1. Last evaluated: 2024-11-05. Review status: criteria provided, single submitter. Criteria: Invitae Variant Classification Sherloc (09022015). Collection method: clinical testing. Allele origin: germline.
Comment: This variant, c.215_217dup, results in the insertion of 1 amino acid(s) of the AUH protein (p.Lys72dup), but otherwise preserves the integrity of the reading frame. This variant is not present in population databases (gnomAD no frequency). This variant has not been reported in the literature in individuals affected with AUH-related conditions. ClinVar contains an entry for this variant (Variation ID: 2044238). Experimental studies and prediction algorithms are not available or were not evaluated, and the functional significance of this variant is currently unknown. In summary, the available evidence is currently insufficient to determine the role of this variant in disease. Therefore, it has been classified as a Variant of Uncertain Significance.

NM_001698.3(AUH):c.215_217dup (p.Lys72_Thr73insLys)

Genes: AUH (AU RNA binding methylglutaconyl-CoA hydratase; minus strand), LOC130002059 (ATAC-STARR-seq lymphoblastoid silent region 20025; plus strand). Cytogenetic location: 9q22.31.
Variant type: Duplication.
Coding change: c.215_217dup on transcript NM_001698.3 (MANE Select); coding-DNA positions 215 to 217, 3 bases duplicated (AGA; older notation c.215_217dupAGA).
Protein change: p.Lys72_Thr73insLys.
Molecular consequence: inframe insertion. On other transcripts: 5 prime UTR variant (3).
Genome position (GRCh38, 1-based): chr9:91,361,673-91,361,675, TCT duplicated on the plus strand (AGA on the coding strand, the reverse complement: AUH is on the minus strand); duplicating any 3 consecutive bases within chr9:91,361,673-91,361,677 gives the same sequence; the c. name uses the placement nearest the transcript's 3' end. VCF-style (leftmost placement, unchanged base first): chr9-91361672-G-GTCT. GRCh37 (hg19) VCF-style: chr9-94123954-G-GTCT.
Other names: c.215_217dup, p.Lys72_Thr73insLys (NM_001306190.2); c.-183_-181dup (NM_001351431.2, NM_001351433.2); c.-275_-273dup (NM_001351432.2).
Identifiers: ClinVar variation 2044238 (VCV002044238.4), dbSNP rs2538438972, ClinGen allele CA2580080650.